The following is an entry in ClinVar:

NM_030665.4(RAI1):c.5435C>A (p.Pro1812Gln)

Gene: RAI1 (retinoic acid induced 1; plus strand). Cytogenetic location: 17p11.2.
Variant type: single nucleotide variant.
Coding change: c.5435C>A on transcript NM_030665.4 (MANE Select); coding-DNA position 5435, C replaced by A.
Protein change: p.Pro1812Gln; replaces proline 1812 with glutamine.
Molecular consequence: missense variant.
Genome position (GRCh38, 1-based): chr17:17,798,383, C>A. VCF-style: chr17-17798383-C-A. GRCh37 (hg19) VCF-style: chr17-17701697-C-A.
Other names: short protein forms P1812Q.
Identifiers: ClinVar variation 3786624 (VCV003786624.2).

ClinVar aggregate classification (germline): Uncertain significance. Review status: criteria provided, multiple submitters, no conflicts (2 of 4 stars). 2 submissions from 2 submitters: Uncertain significance (2). Last evaluated 2025-09-10.

Conditions:
Inborn genetic diseases. Identifiers: MedGen C0950123, MeSH D030342.

Submissions (2):

Women's Health and Genetics/Laboratory Corporation of America, LabCorp
Classification: Uncertain significance. Last evaluated: 2025-09-10. Review status: criteria provided, single submitter. Criteria: LabCorp Variant Classification Summary - May 2015. Collection method: clinical testing. Allele origin: germline.
Comment: Variant summary: RAI1 c.5435C>A (p.Pro1812Gln) results in a non-conservative amino acid change in the encoded protein sequence. Algorithms developed to predict the effect of missense changes on protein structure and function are either unavailable or do not agree on the potential impact of this missense change. The variant was absent in 235392 control chromosomes. The available data on variant occurrences in the general population are insufficient to allow any conclusion about variant significance. To our knowledge, no occurrence of c.5435C>A in individuals affected with RAI1-related conditions and no experimental evidence demonstrating its impact on protein function have been reported. ClinVar contains an entry for this variant (Variation ID: 3786624). Based on the evidence outlined above, the variant was classified as uncertain significance.

Ambry Genetics
Classification: Uncertain significance for Inborn genetic diseases. Last evaluated: 2025-02-10. Review status: criteria provided, single submitter. Criteria: Ambry Variant Classification Scheme 2023. Collection method: clinical testing. Allele origin: germline.